The following is an entry in ClinVar:

NM_001129.5(AEBP1):c.1150+5G>C

Gene: AEBP1 (AE binding protein 1; plus strand). Cytogenetic location: 7p13.
Variant type: single nucleotide variant.
Coding change: c.1150+5G>C on transcript NM_001129.5 (MANE Select); 5 bases into the intron after coding-DNA position 1150, G replaced by C.
Molecular consequence: intron variant.
Genome position (GRCh38, 1-based): chr7:44,109,346, G>C. VCF-style: chr7-44109346-G-C. GRCh37 (hg19) VCF-style: chr7-44148945-G-C.
Identifiers: ClinVar variation 2119511 (VCV002119511.4), dbSNP rs2484345985, ClinGen allele CA2580077151.

ClinVar aggregate classification (germline): Uncertain significance (1 of 4 stars; one submission).

Submission:

Labcorp Genetics (formerly Invitae), Labcorp
Classification: Uncertain significance. Last evaluated: 2024-03-04. Review status: criteria provided, single submitter. Criteria: Invitae Variant Classification Sherloc (09022015). Collection method: clinical testing. Allele origin: germline.
Comment: This sequence change falls in intron 9 of the AEBP1 gene. It does not directly change the encoded amino acid sequence of the AEBP1 protein. It affects a nucleotide within the consensus splice site. This variant is not present in population databases (gnomAD no frequency). This variant has not been reported in the literature in individuals affected with AEBP1-related conditions. ClinVar contains an entry for this variant (Variation ID: 2119511). Variants that disrupt the consensus splice site are a relatively common cause of aberrant splicing (PMID: 17576681, 9536098). Algorithms developed to predict the effect of sequence changes on RNA splicing suggest that this variant may disrupt the consensus splice site. In summary, the available evidence is currently insufficient to determine the role of this variant in disease. Therefore, it has been classified as a Variant of Uncertain Significance.

Literature cited by the submitters: PubMed 17576681; PubMed 9536098.